The following is an entry in ClinVar:

NM_001171.6(ABCC6):c.2763A>G (p.Gly921=)

Gene: ABCC6 (ATP binding cassette subfamily C member 6; minus strand). Cytogenetic location: 16p13.11.
Variant type: single nucleotide variant.
Coding change: c.2763A>G on transcript NM_001171.6 (MANE Select); coding-DNA position 2763, A replaced by G.
Protein change: p.Gly921=; no amino-acid change (glycine 921 retained).
Molecular consequence: synonymous variant. On other transcripts: non-coding transcript variant (1).
Genome position (GRCh38, 1-based): chr16:16,173,308, T>C on the plus strand (A>G on the coding strand, the complement: ABCC6 is on the minus strand). VCF-style: chr16-16173308-T-C. GRCh37 (hg19) VCF-style: chr16-16267165-T-C.
Other names: c.2421A>G, p.Gly807= (NM_001351800.1).
Identifiers: ClinVar variation 3345989 (VCV003345989.1).

ClinVar aggregate classification (germline): Likely benign (0 of 4 stars; one submission).

Conditions:
ABCC6-related disorder. Also called: ABCC6-related condition.

gnomAD v4.1: 1 of 1,614,078 alleles (0.000062%); highest among the groups gnomAD compares: Non-Finnish European, 0.000085%; no homozygotes.

Submission:

PreventionGenetics, part of Exact Sciences
Classification: Likely benign for ABCC6-related condition. Last evaluated: 2024-06-26. Review status: no assertion criteria provided. Collection method: clinical testing. Allele origin: germline.
Comment: This variant is classified as likely benign based on ACMG/AMP sequence variant interpretation guidelines (Richards et al. 2015 PMID: 25741868, with internal and published modifications).